The following is an entry in ClinVar:

ClinVar aggregate classification (germline): Uncertain significance. Review status: criteria provided, multiple submitters, no conflicts (2 of 4 stars). 2 submissions from 2 submitters: Uncertain significance (2). Last evaluated 2026-09-17.

Conditions:
PKD1-related disorder. Also called: PKD1-related condition.

gnomAD v4.1: 29 of 1,586,114 alleles (0.0018%); highest among the groups gnomAD compares: Middle Eastern, 0.2%; no homozygotes.

Submissions (2):

PreventionGenetics, part of Exact Sciences
Classification: Uncertain significance for PKD1-related condition. Last evaluated: 2026-09-17. Review status: criteria provided, single submitter. Criteria: ACMG Guidelines, 2015. Collection method: clinical testing. Allele origin: germline.
Comment: The PKD1 c.6259C>T variant is predicted to result in the amino acid substitution p.Pro2087Ser. To our knowledge, this variant has not been reported in the literature. This variant is reported in 0.011% of alleles in individuals of Ashkenazi Jewish descent in gnomAD. At this time, the clinical significance of this variant is uncertain due to the absence of conclusive functional and genetic evidence.

GeneDx
Classification: Uncertain significance. Last evaluated: 2023-12-29. Review status: criteria provided, single submitter. Criteria: GeneDx Variant Classification Process June 2021. Collection method: clinical testing. Allele origin: germline. Affected: yes.
Comment: In silico analysis supports that this missense variant does not alter protein structure/function; Has not been previously published as pathogenic or benign to our knowledge

NM_001009944.3(PKD1):c.6259C>T (p.Pro2087Ser)

Gene: PKD1 (polycystin 1, transient receptor potential channel interacting; minus strand). Cytogenetic location: 16p13.3.
Variant type: single nucleotide variant.
Coding change: c.6259C>T on transcript NM_001009944.3 (MANE Select); coding-DNA position 6259, C replaced by T.
Protein change: p.Pro2087Ser; replaces proline 2087 with serine.
Molecular consequence: missense variant.
Genome position (GRCh38, 1-based): chr16:2,108,908, G>A on the plus strand (C>T on the coding strand, the complement: PKD1 is on the minus strand). VCF-style: chr16-2108908-G-A. GRCh37 (hg19) VCF-style: chr16-2158909-G-A.
Other names: c.6259C>T, p.Pro2087Ser (NM_000296.4); short protein forms P2087S.
Identifiers: ClinVar variation 3370205 (VCV003370205.2).